The following is an entry in ClinVar:

ClinVar aggregate classification (germline): Uncertain significance. Review status: criteria provided, multiple submitters, no conflicts (2 of 4 stars). 2 submissions from 2 submitters: Uncertain significance (2). Last evaluated 2026-02-18.

Conditions:
RAI1-related disorder. Also called: RAI1-related condition.

Allele frequency attached by ClinVar (database versions not stated): gnomAD 0.00001; TOPMed 0.00002; gnomAD exomes 0.00003.
gnomAD v4.1: 11 of 1,558,606 alleles (0.00071%); highest among the groups gnomAD compares: Admixed American, 0.0075%; no homozygotes.

Submissions (2):

PreventionGenetics, part of Exact Sciences
Classification: Uncertain significance for RAI1-related condition. Last evaluated: 2026-02-18. Review status: criteria provided, single submitter. Criteria: ACMG Guidelines, 2015. Collection method: clinical testing. Allele origin: germline.
Comment: The RAI1 c.3266G>A variant is predicted to result in the amino acid substitution p.Arg1089Gln. To our knowledge, this variant has not been reported in the literature. This variant is reported in 0.014% of alleles in individuals of Latino descent in gnomAD. At this time, the clinical significance of this variant is uncertain due to the absence of conclusive functional and genetic evidence.

Labcorp Genetics (formerly Invitae), Labcorp
Classification: Uncertain significance. Last evaluated: 2022-11-02. Review status: criteria provided, single submitter. Criteria: Invitae Variant Classification Sherloc (09022015). Collection method: clinical testing. Allele origin: germline.
Comment: ClinVar contains an entry for this variant (Variation ID: 1379363). This variant has not been reported in the literature in individuals affected with RAI1-related conditions. This variant is present in population databases (no rsID available, gnomAD 0.01%). This sequence change replaces arginine, which is basic and polar, with glutamine, which is neutral and polar, at codon 1089 of the RAI1 protein (p.Arg1089Gln). In summary, the available evidence is currently insufficient to determine the role of this variant in disease. Therefore, it has been classified as a Variant of Uncertain Significance. Advanced modeling of protein sequence and biophysical properties (such as structural, functional, and spatial information, amino acid conservation, physicochemical variation, residue mobility, and thermodynamic stability) performed at Invitae indicates that this missense variant is expected to disrupt RAI1 protein function.

NM_030665.4(RAI1):c.3266G>A (p.Arg1089Gln)

Gene: RAI1 (retinoic acid induced 1; plus strand). Cytogenetic location: 17p11.2.
Variant type: single nucleotide variant.
Coding change: c.3266G>A on transcript NM_030665.4 (MANE Select); coding-DNA position 3266, G replaced by A.
Protein change: p.Arg1089Gln; replaces arginine 1089 with glutamine.
Molecular consequence: missense variant.
Genome position (GRCh38, 1-based): chr17:17,796,214, G>A. VCF-style: chr17-17796214-G-A. GRCh37 (hg19) VCF-style: chr17-17699528-G-A.
Other names: c.3266G>A (NM_030665.3); short protein forms R1089Q.
Identifiers: ClinVar variation 1379363 (VCV001379363.9), dbSNP rs1362533720, ClinGen allele CA398553230.
Genomic context (GRCh38, chr17:17,796,214, plus strand): 5'-CCGGACCCCCAGGCCTGACCACCACCCCTGCACCCCCAGACAAACTGGGGGGCAAGCAGC[G>A]AGCCGCCTTCAAGTCGGGCAAGCGGGTGGGGAAGCCCTCACCCAAGGCTGCCTCCAGCCC-3'
Protein context (NP_109590.3, residues 1079-1099): APPDKLGGKQ[Arg1089Gln]AAFKSGKRVG